The following is an entry in ClinVar:

NM_003660.4(PPFIA3):c.3390G>A (p.Trp1130Ter)

Genes: PPFIA3 (PPFI scaffold protein A3; plus strand), LOC130064904 (ATAC-STARR-seq lymphoblastoid active region 14927; plus strand). Cytogenetic location: 19q13.33.
Variant type: single nucleotide variant.
Coding change: c.3390G>A on transcript NM_003660.4 (MANE Select); coding-DNA position 3390, G replaced by A.
Protein change: p.Trp1130Ter; replaces tryptophan 1130 with a stop codon.
Molecular consequence: nonsense. On other transcripts: non-coding transcript variant (1).
Genome position (GRCh38, 1-based): chr19:49,149,582, G>A. VCF-style: chr19-49149582-G-A. GRCh37 (hg19) VCF-style: chr19-49652839-G-A.
Other names: short protein forms W1130*.
Identifiers: ClinVar variation 5016893 (VCV005016893.1).

ClinVar aggregate classification (germline): Pathogenic (1 of 4 stars; one submission).

Submission:

GeneDx
Classification: Pathogenic. Last evaluated: 2026-04-12. Review status: criteria provided, single submitter. Criteria: GeneDx Variant Classification Process June 2021. Collection method: clinical testing. Allele origin: germline.
Comment: Nonsense variant predicted to result in protein truncation or nonsense mediated decay in a gene for which loss of function is a known mechanism of disease; Not observed at significant frequency in large population cohorts (gnomAD); Has not been previously published as pathogenic or benign to our knowledge